The following is an entry in ClinVar:

NM_021930.6(RINT1):c.673A>G (p.Lys225Glu)

Gene: RINT1 (RAD50 interactor 1; plus strand). Cytogenetic location: 7q22.3.
Variant type: single nucleotide variant.
Coding change: c.673A>G on transcript NM_021930.6 (MANE Select); coding-DNA position 673, A replaced by G.
Protein change: p.Lys225Glu; replaces lysine 225 with glutamic acid.
Molecular consequence: missense variant. On other transcripts: 5 prime UTR variant (2), non-coding transcript variant (1), intron variant (1).
Genome position (GRCh38, 1-based): chr7:105,547,067, A>G. VCF-style: chr7-105547067-A-G. GRCh37 (hg19) VCF-style: chr7-105187514-A-G.
Other names: c.439A>G, p.Lys147Glu (NM_001346599.2); c.-347A>G (NM_001346600.2); c.-250A>G (NM_001346601.2); c.-27-2988A>G (NM_001346603.2); c.673A>G (NM_021930.4); short protein forms K147E, K225E.
Identifiers: ClinVar variation 1430696 (VCV001430696.11), dbSNP rs775238670, ClinGen allele CA4426486.

ClinVar aggregate classification (germline): Uncertain significance. Review status: criteria provided, multiple submitters, no conflicts (2 of 4 stars). 3 submissions from 3 submitters: Uncertain significance (3). Last evaluated 2025-08-19.

Allele frequency attached by ClinVar (database versions not stated): TOPMed 0.00001; ExAC 0.00002; gnomAD exomes 0.00002.
gnomAD v4.1: 11 of 1,613,766 alleles (0.00068%); highest among the groups gnomAD compares: South Asian, 0.012%; no homozygotes.

Submissions (3):

Ambry Genetics
Classification: Uncertain significance. Last evaluated: 2025-08-19. Review status: criteria provided, single submitter. Criteria: Ambry Variant Classification Scheme 2023. Collection method: clinical testing. Allele origin: germline.
Comment: The p.K225E variant (also known as c.673A>G), located in coding exon 5 of the RINT1 gene, results from an A to G substitution at nucleotide position 673. The lysine at codon 225 is replaced by glutamic acid, an amino acid with similar properties. This amino acid position is conserved. In addition, the in silico prediction for this alteration is inconclusive. Since supporting evidence is limited at this time, the clinical significance of this alteration remains unclear.

Labcorp Genetics (formerly Invitae), Labcorp
Classification: Uncertain significance. Last evaluated: 2025-05-12. Review status: criteria provided, single submitter. Criteria: Invitae Variant Classification Sherloc (09022015). Collection method: clinical testing. Allele origin: germline.
Comment: This sequence change replaces lysine, which is basic and polar, with glutamic acid, which is acidic and polar, at codon 225 of the RINT1 protein (p.Lys225Glu). This variant is present in population databases (rs775238670, gnomAD 0.01%). This variant has not been reported in the literature in individuals affected with RINT1-related conditions. ClinVar contains an entry for this variant (Variation ID: 1430696). An algorithm developed to predict the effect of missense changes on protein structure and function (PolyPhen-2) suggests that this variant is likely to be disruptive. In summary, the available evidence is currently insufficient to determine the role of this variant in disease. Therefore, it has been classified as a Variant of Uncertain Significance.

Blueprint Genetics
Classification: Uncertain significance. Last evaluated: 2021-06-30. Review status: criteria provided, single submitter. Criteria: ACMG Guidelines, 2015. Collection method: clinical testing. Allele origin: germline.